The following is an entry in ClinVar:

NM_004304.5(ALK):c.94C>G (p.Pro32Ala)

Gene: ALK (ALK receptor tyrosine kinase; minus strand). Cytogenetic location: 2p23.1.
Variant type: single nucleotide variant.
Coding change: c.94C>G on transcript NM_004304.5 (MANE Select); coding-DNA position 94, C replaced by G.
Protein change: p.Pro32Ala; replaces proline 32 with alanine.
Molecular consequence: missense variant.
Genome position (GRCh38, 1-based): chr2:29,920,566, G>C on the plus strand (C>G on the coding strand, the complement: ALK is on the minus strand). VCF-style: chr2-29920566-G-C. GRCh37 (hg19) VCF-style: chr2-30143432-G-C.
Other names: short protein forms P32A.
Identifiers: ClinVar variation 662031 (VCV000662031.12), dbSNP rs573276657, ClinGen allele CA1595050.

ClinVar aggregate classification (germline): Uncertain significance. Review status: criteria provided, multiple submitters, no conflicts (2 of 4 stars). 3 submissions from 3 submitters: Uncertain significance (3). Last evaluated 2025-12-09.

Conditions:
Hereditary cancer-predisposing syndrome. Also called: Neoplastic Syndromes, Hereditary; Hereditary neoplastic syndrome; Tumor predisposition; Hereditary Cancer Syndrome. Identifiers: Orphanet 140162, MedGen C0027672, MeSH D009386, MONDO:0015356.
Neuroblastoma, susceptibility to, 3. Also called: ALK-Related Neuroblastic Tumor Susceptibility. Identifiers: Orphanet 635, MedGen C2751681, MONDO:0013083, OMIM 613014.

Allele frequency attached by ClinVar (database versions not stated): gnomAD 0.00001 and 0.00002; gnomAD exomes 0.00001; TOPMed 0.00001; ExAC 0.00002; 1000 Genomes Project 0.00040; 1000 Genomes Project 30x 0.00047.
gnomAD v4.1: 13 of 1,594,076 alleles (0.00082%); highest among the groups gnomAD compares: Admixed American, 0.022%; no homozygotes.

Submissions (3):

Labcorp Genetics (formerly Invitae), Labcorp
Classification: Uncertain significance for Neuroblastoma, susceptibility to, 3. Last evaluated: 2025-12-09. Review status: criteria provided, single submitter. Criteria: Invitae Variant Classification Sherloc (09022015). Collection method: clinical testing. Allele origin: germline.
Comment: This sequence change replaces proline, which is neutral and non-polar, with alanine, which is neutral and non-polar, at codon 32 of the ALK protein (p.Pro32Ala). This variant is present in population databases (rs573276657, gnomAD 0.006%). This variant has not been reported in the literature in individuals affected with ALK-related conditions. ClinVar contains an entry for this variant (Variation ID: 662031). An algorithm developed to predict the effect of missense changes on protein structure and function outputs the following: PolyPhen-2: "Benign". The alanine amino acid residue is found in multiple mammalian species, which suggests that this missense change does not adversely affect protein function. In summary, the available evidence is currently insufficient to determine the role of this variant in disease. Therefore, it has been classified as a Variant of Uncertain Significance.

Ambry Genetics
Classification: Uncertain significance for Hereditary cancer-predisposing syndrome. Last evaluated: 2024-12-24. Review status: criteria provided, single submitter. Criteria: Ambry Variant Classification Scheme 2023. Collection method: clinical testing. Allele origin: germline.
Comment: The p.P32A variant (also known as c.94C>G), located in coding exon 1 of the ALK gene, results from a C to G substitution at nucleotide position 94. The proline at codon 32 is replaced by alanine, an amino acid with highly similar properties. This amino acid position is not well conserved in available vertebrate species. In addition, this alteration is predicted to be tolerated by in silico analysis. Based on the available evidence, the clinical significance of this variant remains unclear.

Revvity Omics, Revvity
Classification: Uncertain significance. Last evaluated: 2020-03-11. Review status: criteria provided, single submitter. Criteria: ACMG Guidelines, 2015. Collection method: clinical testing. Allele origin: germline.